The following is an entry in ClinVar:

NM_001429.4(EP300):c.1702C>T (p.Arg568Trp)

Gene: EP300 (EP300 lysine acetyltransferase; plus strand). Cytogenetic location: 22q13.2.
Variant type: single nucleotide variant.
Coding change: c.1702C>T on transcript NM_001429.4 (MANE Select); coding-DNA position 1702, C replaced by T.
Protein change: p.Arg568Trp; replaces arginine 568 with tryptophan.
Molecular consequence: missense variant.
Genome position (GRCh38, 1-based): chr22:41,137,732, C>T. VCF-style: chr22-41137732-C-T. GRCh37 (hg19) VCF-style: chr22-41533736-C-T.
Other names: c.1702C>T, p.Arg568Trp (NM_001362843.2); short protein forms R568W.
Identifiers: ClinVar variation 3670162 (VCV003670162.4).

ClinVar aggregate classification (germline): Uncertain significance. Review status: criteria provided, multiple submitters, no conflicts (2 of 4 stars). 2 submissions from 2 submitters: Uncertain significance (2). Last evaluated 2024-04-11.

Conditions:
Menke-Hennekam syndrome 2 (MKHK2). Identifiers: MedGen C5193035, MONDO:0020769, OMIM 618333.
Colorectal cancer. Also called: Colorectal cancer, somatic; Malignant Colorectal Neoplasm. Identifiers: MedGen C0346629, MONDO:0005575, OMIM 114500.
Rubinstein-Taybi syndrome due to EP300 haploinsufficiency. Also called: RUBINSTEIN-TAYBI SYNDROME 2; EP300-Related Rubinstein-Taybi Syndrome. Identifiers: Orphanet 353284, Orphanet 783, MedGen C3150941, MONDO:0013364, OMIM 613684.

gnomAD v4.1: 5 of 1,614,180 alleles (0.00031%); highest among the groups gnomAD compares: African/African-American, 0.0013%; no homozygotes.

Submissions (2):

Labcorp Genetics (formerly Invitae), Labcorp
Classification: Uncertain significance for Rubinstein-Taybi syndrome due to EP300 haploinsufficiency. Last evaluated: 2024-04-11. Review status: criteria provided, single submitter. Criteria: Invitae Variant Classification Sherloc (09022015). Collection method: clinical testing. Allele origin: germline.
Comment: This sequence change replaces arginine, which is basic and polar, with tryptophan, which is neutral and slightly polar, at codon 568 of the EP300 protein (p.Arg568Trp). This variant is not present in population databases (gnomAD no frequency). This variant has not been reported in the literature in individuals affected with EP300-related conditions. Advanced modeling of protein sequence and biophysical properties (such as structural, functional, and spatial information, amino acid conservation, physicochemical variation, residue mobility, and thermodynamic stability) performed at Invitae indicates that this missense variant is not expected to disrupt EP300 protein function with a negative predictive value of 80%. In summary, the available evidence is currently insufficient to determine the role of this variant in disease. Therefore, it has been classified as a Variant of Uncertain Significance.

Juno Genomics, Hangzhou Juno Genomics, Inc
Classification: Uncertain significance for Colorectal cancer; Menke-Hennekam syndrome 2; Rubinstein-Taybi syndrome due to EP300 haploinsufficiency. Review status: criteria provided, single submitter. Criteria: ACMG Guidelines, 2015. Collection method: clinical testing. Allele origin: germline.
Comment: Absent from controls (or at extremely low frequency if recessive) in Genome Aggregation Database.;Multiple lines of computational evidence support a deleterious effect on the gene or gene product.